The following is an entry in ClinVar:

NM_001173464.2(KIF21A):c.2861G>T (p.Arg954Leu)

Gene: KIF21A (kinesin family member 21A; minus strand). Cytogenetic location: 12q12.
Variant type: single nucleotide variant.
Coding change: c.2861G>T on transcript NM_001173464.2 (MANE Select); coding-DNA position 2861, G replaced by T.
Protein change: p.Arg954Leu; replaces arginine 954 with leucine.
Molecular consequence: missense variant.
Genome position (GRCh38, 1-based): chr12:39,332,404, C>A on the plus strand (G>T on the coding strand, the complement: KIF21A is on the minus strand). VCF-style: chr12-39332404-C-A. GRCh37 (hg19) VCF-style: chr12-39726206-C-A.
Other names: c.2822G>T, p.Arg941Leu (NM_001173463.2, NM_001378441.1, NM_017641.4); c.2753G>T, p.Arg918Leu (NM_001173465.2); c.2861G>T, p.Arg954Leu (NM_001378439.1, NM_001378440.1); short protein forms R918L, R941L, R954L.
Identifiers: ClinVar variation 3775454 (VCV003775454.1).
Genomic context (GRCh38, chr12:39,332,404, plus strand): 5'-TCCTTGACTATCTTCTCCCTTCTTTTTGAAAGTTTCTCTCGTCTTTTTGTGAGTTCCTCC[C>A]GTTGCTATTGAGAAAGCAGGTTGGATTTTAAGAAATTATGTTCACTTATTTATATACAGT-3'
Protein context (NP_001166935.1, residues 944-964): EADMNRLLKQ[Arg954Leu]EELTKRREKL

ClinVar aggregate classification (germline): Likely pathogenic (1 of 4 stars; one submission).

Conditions:
Congenital fibrosis of extraocular muscles type 1. Also called: BLEPHAROPTOSIS WITH ABSENT EYE MOVEMENTS; OPHTHALMOPLEGIA, CONGENITAL; FEOM1 LOCUS; CFEOM3B. Identifiers: MedGen C1851102, MONDO:0021083, OMIM 135700.

Submission:

3billion
Classification: Likely pathogenic for Congenital fibrosis of extraocular muscles type 1. Last evaluated: 2024-02-24. Review status: criteria provided, single submitter. Criteria: ACMG Guidelines, 2015. Collection method: clinical testing. Allele origin: germline. Affected: yes.
Comment: The variant is not observed in the gnomAD v2.1.1 dataset. Predicted Consequence/Location: Missense changes are a common disease-causing mechanism. In silico tool predictions suggest damaging effect of the variant on gene or gene product [REVEL: 0.65 (>=0.6, sensitivity 0.68 and specificity 0.92); 3Cnet: 0.27 (>=0.6, sensitivity 0.72 and precision 0.9)]. Same nucleotide change resulting in same amino acid change has been previously reported to be associated with KIF21A related disorder (PMID: 17511870).Different missense changes at the same codon (p.Arg954Gln, p.Arg954Trp) have been reported as pathogenic/likely pathogenic with strong evidence (ClinVar ID: VCV000002436, VCV000002437 /PMID: 14595441 /3billion dataset). Therefore, this variant is classified as Likely pathogenic according to the recommendation of ACMG/AMP guideline.

Literature cited by the submitters: PubMed 14595441; PubMed 17511870.